The following is an entry in ClinVar:

ClinVar aggregate classification (germline): Uncertain significance (1 of 4 stars; one submission).

Conditions:
Hereditary cancer-predisposing syndrome. Also called: Neoplastic Syndromes, Hereditary; Tumor predisposition; Hereditary Cancer Syndrome; Hereditary neoplastic syndrome. Identifiers: Orphanet 140162, MedGen C0027672, MeSH D009386, MONDO:0015356.

gnomAD v4.1: 1 of 1,614,162 alleles (0.000062%); highest among the groups gnomAD compares: Non-Finnish European, 0.000085%; no homozygotes.

Submission:

Ambry Genetics
Classification: Uncertain significance for Hereditary cancer-predisposing syndrome. Last evaluated: 2026-03-27. Review status: criteria provided, single submitter. Criteria: Ambry Variant Classification Scheme 2023. Collection method: clinical testing. Allele origin: germline.
Comment: The c.241-1G>C intronic variant results from a G to C substitution one nucleotide upstream from coding exon 3 of the EGFR gene. Variants that disrupt the canonical splice site are expected to result in aberrant splicing. In silico splice site analysis predicts that this alteration will weaken the native splice acceptor site and will result in the creation or strengthening of a novel splice acceptor site. A resulting transcript is predicted to be in-frame and is not expected to trigger nonsense-mediated mRNAdecay; although, direct evidence is unavailable. This nucleotide position is highly conserved in available vertebrate species. Based on the available evidence, the clinical significance of this variant remains unclear.

NM_005228.5(EGFR):c.241-1G>C

Gene: EGFR (epidermal growth factor receptor; plus strand). Cytogenetic location: 7p11.2.
Variant type: single nucleotide variant.
Coding change: c.241-1G>C on transcript NM_005228.5 (MANE Select); the canonical splice acceptor site of the intron before coding-DNA position 241, G replaced by C.
Molecular consequence: splice acceptor variant. On other transcripts: intron variant (1).
Genome position (GRCh38, 1-based): chr7:55,143,304, G>C. VCF-style: chr7-55143304-G-C. GRCh37 (hg19) VCF-style: chr7-55210997-G-C.
Other names: c.241-1G>C (NM_001346899.2, NM_001346898.2, NM_001346897.2 and 3 more transcripts); c.89-12526G>C (NM_001346941.2); c.82-1G>C (NM_001346900.2).
Identifiers: ClinVar variation 4870221 (VCV004870221.1).